The following is an entry in ClinVar:

ClinVar aggregate classification (germline): Uncertain significance (1 of 4 stars; one submission).

gnomAD v4.1: 1 of 1,613,558 alleles (0.000062%); highest among the groups gnomAD compares: Non-Finnish European, 0.000085%; no homozygotes.

Submission:

Labcorp Genetics (formerly Invitae), Labcorp
Classification: Uncertain significance. Last evaluated: 2022-07-06. Review status: criteria provided, single submitter. Criteria: Invitae Variant Classification Sherloc (09022015). Collection method: clinical testing. Allele origin: germline.
Comment: In summary, the available evidence is currently insufficient to determine the role of this variant in disease. Therefore, it has been classified as a Variant of Uncertain Significance. Algorithms developed to predict the effect of sequence changes on RNA splicing suggest that this variant may create or strengthen a splice site. Algorithms developed to predict the effect of missense changes on protein structure and function are either unavailable or do not agree on the potential impact of this missense change (SIFT: "Deleterious"; PolyPhen-2: "Possibly Damaging"; Align-GVGD: "Class C0"). ClinVar contains an entry for this variant (Variation ID: 1485827). This variant has not been reported in the literature in individuals affected with AP3D1-related conditions. This variant is not present in population databases (gnomAD no frequency). This sequence change replaces aspartic acid, which is acidic and polar, with glycine, which is neutral and non-polar, at codon 41 of the AP3D1 protein (p.Asp41Gly).

NM_001261826.3(AP3D1):c.122A>G (p.Asp41Gly)

Gene: AP3D1 (adaptor related protein complex 3 subunit delta 1; minus strand). Cytogenetic location: 19p13.3.
Variant type: single nucleotide variant.
Coding change: c.122A>G on transcript NM_001261826.3 (MANE Select); coding-DNA position 122, A replaced by G.
Protein change: p.Asp41Gly; replaces aspartic acid 41 with glycine.
Molecular consequence: missense variant.
Genome position (GRCh38, 1-based): chr19:2,138,689, T>C on the plus strand (A>G on the coding strand, the complement: AP3D1 is on the minus strand). VCF-style: chr19-2138689-T-C. GRCh37 (hg19) VCF-style: chr19-2138688-T-C.
Other names: c.122A>G, p.Asp41Gly (NM_001374799.1, NM_003938.8); short protein forms D41G.
Identifiers: ClinVar variation 1485827 (VCV001485827.8), dbSNP rs755026932, ClinGen allele CA403233390.